The following is an entry in ClinVar:

ClinVar aggregate classification (germline): Uncertain significance. Review status: criteria provided, multiple submitters, no conflicts (2 of 4 stars). 2 submissions from 2 submitters: Uncertain significance (2). Last evaluated 2025-12-30.

Conditions:
Epidermolysis bullosa simplex with nail dystrophy (EBS5D). Identifiers: MedGen C4225309, MONDO:0014661, OMIM 616487.
Epidermolysis bullosa simplex, Ogna type (EBS5A). Also called: Pidermolysis bullosa simplex 5A, Ogna type; EPIDERMOLYSIS BULLOSA SIMPLEX 5A, OGNA TYPE. Identifiers: Orphanet 79401, MedGen C0432317, MONDO:0007555, OMIM 131950.
Autosomal recessive limb-girdle muscular dystrophy type 2Q (LGMDR17). Also called: MUSCULAR DYSTROPHY, LIMB-GIRDLE, AUTOSOMAL RECESSIVE 17. Identifiers: Orphanet 254361, MedGen C3150989, MONDO:0013390, OMIM 613723.
Epidermolysis bullosa simplex 5C, with pyloric atresia (EBS5C). Also called: PLEC-Related Epidermolysis Bullosa with Pyloric Atresia; Epidermolysis bullosa simplex with pyloric atresia; PLEC1-Related Epidermolysis Bullosa with Pyloric Atresia. Identifiers: Orphanet 158684, MedGen C2677349, MONDO:0012807, OMIM 612138.
Epidermolysis bullosa simplex 5B, with muscular dystrophy (EBS5B). Also called: EPIDERMOLYSIS BULLOSA SIMPLEX AND LIMB-GIRDLE MUSCULAR DYSTROPHY; Epidermolysis bullosa simplex with muscular dystrophy. Identifiers: Orphanet 257, MedGen C2931072, MONDO:0009181, OMIM 226670.
Inborn genetic diseases. Identifiers: MedGen C0950123, MeSH D030342.

Submissions (2):

Ambry Genetics
Classification: Uncertain significance for Inborn genetic diseases. Last evaluated: 2025-12-30. Review status: criteria provided, single submitter. Criteria: Ambry Variant Classification Scheme 2023. Collection method: clinical testing. Allele origin: germline.

Labcorp Genetics (formerly Invitae), Labcorp
Classification: Uncertain significance for Autosomal recessive limb-girdle muscular dystrophy type 2Q; Epidermolysis bullosa simplex, Ogna type; Epidermolysis bullosa simplex with nail dystrophy; Epidermolysis bullosa simplex 5C, with pyloric atresia; Epidermolysis bullosa simplex 5B, with muscular dystrophy. Last evaluated: 2025-09-06. Review status: criteria provided, single submitter. Criteria: Invitae Variant Classification Sherloc (09022015). Collection method: clinical testing. Allele origin: germline.
Comment: This sequence change replaces valine, which is neutral and non-polar, with leucine, which is neutral and non-polar, at codon 1678 of the PLEC protein (p.Val1678Leu). This variant is not present in population databases (gnomAD no frequency). This variant has not been reported in the literature in individuals affected with PLEC-related conditions. ClinVar contains an entry for this variant (Variation ID: 1991126). Experimental studies and prediction algorithms are not available or were not evaluated, and the functional significance of this variant is currently unknown. In summary, the available evidence is currently insufficient to determine the role of this variant in disease. Therefore, it has been classified as a Variant of Uncertain Significance.

NM_201384.3(PLEC):c.4951G>T (p.Val1651Leu)

Gene: PLEC (plectin; minus strand). Cytogenetic location: 8q24.3.
Variant type: single nucleotide variant.
Coding change: c.4951G>T on transcript NM_201384.3 (MANE Select); coding-DNA position 4951, G replaced by T.
Protein change: p.Val1651Leu; replaces valine 1651 with leucine.
Molecular consequence: missense variant.
Genome position (GRCh38, 1-based): chr8:143,924,978, C>A on the plus strand (G>T on the coding strand, the complement: PLEC is on the minus strand). VCF-style: chr8-143924978-C-A. GRCh37 (hg19) VCF-style: chr8-144999146-C-A.
Other names: c.5032G>T, p.Val1678Leu (NM_000445.5); c.4909G>T, p.Val1637Leu (NM_201378.4); c.4885G>T, p.Val1629Leu (NM_201379.3); c.5362G>T, p.Val1788Leu (NM_201380.4); c.4855G>T, p.Val1619Leu (NM_201381.3); c.4951G>T, p.Val1651Leu (NM_201382.4); c.4963G>T, p.Val1655Leu (NM_201383.3); c.5032G>T (NM_000445.3); short protein forms V1637L, V1788L, V1629L, V1619L, V1655L, V1651L, V1678L.
Identifiers: ClinVar variation 1991126 (VCV001991126.5), dbSNP rs1824451345, ClinGen allele CA372551348.
Genomic context (GRCh38, chr8:143,924,978, plus strand): 5'-GCTCCGCCTCCTCCTTCTGCTTCTCAGCCTCGGCCTGCGCCAGGCTCTTCTGCTGCGCCA[C>A]CTCCTCCGCCTGCAGCCGCAGCCGTAGCGCCTCGTTGGCCTTGAGCTGCCAGCGCTCCAG-3'
Protein context (NP_958786.1, residues 1641-1661): ALRLRLQAEE[Val1651Leu]AQQKSLAQAE